The following is an entry in ClinVar:

NM_001267550.2(TTN):c.66391A>G (p.Thr22131Ala)

Genes: TTN (titin; minus strand), TTN-AS1 (TTN antisense RNA 1; plus strand). Cytogenetic location: 2q31.2.
Variant type: single nucleotide variant.
Coding change: c.66391A>G on transcript NM_001267550.2 (MANE Select); coding-DNA position 66391, A replaced by G.
Protein change: p.Thr22131Ala; replaces threonine 22131 with alanine.
Molecular consequence: missense variant.
Genome position (GRCh38, 1-based): chr2:178,581,978, T>C on the plus strand (A>G on the coding strand, the complement: TTN is on the minus strand). VCF-style: chr2-178581978-T-C. GRCh37 (hg19) VCF-style: chr2-179446705-T-C.
Other names: p.T20490A:ACA>GCA; c.61468A>G, p.Thr20490Ala (NM_001256850.1); c.58687A>G, p.Thr19563Ala (NM_133378.4); c.39196A>G, p.Thr13066Ala (NM_003319.4); c.39571A>G, p.Thr13191Ala (NM_133432.3); c.39772A>G, p.Thr13258Ala (NM_133437.4); short protein forms T22131A, T19563A, T20490A, T13191A, T13066A, T13258A.
Identifiers: ClinVar variation 47234 (VCV000047234.46), dbSNP rs140842479, ClinGen allele CA140405.

ClinVar aggregate classification (germline): Conflicting classifications of pathogenicity. Review status: criteria provided, conflicting classifications (1 of 4 stars). 11 submissions from 11 submitters: Uncertain significance (5); Likely benign (5). 1 of the submissions does not count toward it. Last evaluated 2026-05-19.

Conditions:
TTN-related disorder. Also called: TTN-related condition; TTN-related disease; TTN-related disorders.
Cardiovascular phenotype. Identifiers: MedGen CN230736.
Autosomal recessive limb-girdle muscular dystrophy type 2J (LGMDR10). Also called: Limb-girdle muscular dystrophy, type 2J; MUSCULAR DYSTROPHY, LIMB-GIRDLE, AUTOSOMAL RECESSIVE 10. Identifiers: Orphanet 140922, MedGen C1837342, MONDO:0012127, OMIM 608807.
Dilated cardiomyopathy 1G (CMD1G). Identifiers: Orphanet 154, MedGen C1858763, MONDO:0011400, OMIM 604145.
Myopathy, myofibrillar, 9, with early respiratory failure (MFM9). Also called: Hereditary myopathy with early respiratory failure; EDSTROM MYOPATHY; MYOPATHY, PROXIMAL, WITH EARLY RESPIRATORY MUSCLE INVOLVEMENT; Myopathy, distal, with early respiratory failure, autosomal dominant. Identifiers: Orphanet 178464, Orphanet 34521, MedGen C1863599, MONDO:0011362, OMIM 603689.
Early-onset myopathy with fatal cardiomyopathy (CMYO5). Also called: Salih Myopathy; CONGENITAL MYOPATHY 5 WITH CARDIOMYOPATHY. Identifiers: Orphanet 289377, MedGen C2673677, MONDO:0012714, OMIM 611705. Disease mechanism: loss of function.
Hypertrophic cardiomyopathy 9. Also called: Familial hypertrophic cardiomyopathy 9. Identifiers: MedGen C1861065, MONDO:0013412, OMIM 613765.
Tibial muscular dystrophy (TMD). Also called: Tibial muscular dystrophy, tardive; UDD MYOPATHY; Udd Distal Myopathy – Tibial Muscular Dystrophy. Identifiers: Orphanet 609, MedGen C1838244, MONDO:0010870, OMIM 600334.

Allele frequency attached by ClinVar (database versions not stated): gnomAD exomes 0.00004 and 0.00014; ExAC 0.00015; ESP Exome Variant Server 0.00025; gnomAD 0.00046; TOPMed 0.00053; 1000 Genomes Project 0.00160; 1000 Genomes Project 30x 0.00203.
gnomAD v4.1: 130 of 1,613,352 alleles (0.0081%); highest among the groups gnomAD compares: African/African-American, 0.13%; no homozygotes.

Submissions (11):

Women's Health and Genetics/Laboratory Corporation of America, LabCorp
Classification: Likely benign. Last evaluated: 2026-05-19. Review status: criteria provided, single submitter. Criteria: LabCorp Variant Classification Summary - May 2015. Collection method: clinical testing. Allele origin: germline.
Comment: Variant summary: TTN c.58687A>G (p.Thr19563Ala) results in a non-conservative amino acid change in the encoded protein sequence. Algorithms developed to predict the effect of missense changes on protein structure and function are either unavailable or do not agree on the potential impact of this missense change. The variant allele was found at a frequency of 0.00014 in 248514 control chromosomes, predominantly at a frequency of 0.0018 within the African or African-American subpopulation in the gnomAD database. The observed variant frequency within African or African-American control individuals in the gnomAD database exceeds the estimated maximal expected allele frequency for disease-causing variants in TTN. c.58687A>G has been reported in the literature in one individual affected with Dilated Cardiomyopathy without strong evidence for causality as the patient carried several other TTN variants of uncertain significance and in one individual affected with Hypertrophic Cardiomyopathy (Pugh_2014, Anvekar_2024). These report(s) do not provide unequivocal conclusions about association of the variant with TTN-related conditions. To our knowledge, no experimental evidence demonstrating an impact on protein function has been reported. The following publications have been ascertained in the context of this evaluation (PMID: 37725123, 24503780). ClinVar contains an entry for this variant (Variation ID: 47234). Based on the evidence outlined above, the variant was classified as likely benign.

Labcorp Genetics (formerly Invitae), Labcorp
Classification: Likely benign for Dilated cardiomyopathy 1G; Autosomal recessive limb-girdle muscular dystrophy type 2J. Last evaluated: 2026-02-01. Review status: criteria provided, single submitter. Criteria: Invitae Variant Classification Sherloc (09022015). Collection method: clinical testing. Allele origin: germline.

PreventionGenetics, part of Exact Sciences
Classification: Likely benign for TTN-related condition. Last evaluated: 2025-05-05. Review status: criteria provided, single submitter. Criteria: ACMG Guidelines, 2015. Collection method: clinical testing. Allele origin: germline.
Comment: This variant is classified as likely benign based on ACMG/AMP sequence variant interpretation guidelines (Richards et al. 2015 PMID: 25741868, with internal and published modifications).

Athena Diagnostics
Classification: Likely benign. Last evaluated: 2025-02-24. Review status: criteria provided, single submitter. Criteria: Athena Diagnostics Criteria. Collection method: clinical testing. Allele origin: unknown.
Comment: The frequency of this variant in the general population is higher than would generally be expected for pathogenic variants in this gene. Computational tools predict this amino acid change may be benign.

Mayo Clinic Laboratories, Mayo Clinic
Classification: Uncertain significance. Last evaluated: 2023-01-12. Review status: criteria provided, single submitter. Criteria: ACMG Guidelines, 2015. Collection method: clinical testing. Allele origin: germline. Observed: 1 variant allele.
Comment: BP4

ARUP Laboratories, Molecular Genetics and Genomics, ARUP Laboratories
Classification: Uncertain significance. Last evaluated: 2021-07-10. Review status: criteria provided, single submitter. Criteria: ARUP Molecular Germline Variant Investigation Process 2021. Collection method: clinical testing. Allele origin: germline.
Comment: The TTN c.66391A>G; p.Thr22131Ala variant (rs140842479; ClinVar Variation ID: 47234) is rare in the general population (<0.2% allele frequency in the Genome Aggregation Database) and has not been reported in the medical literature in association with dilated cardiomyopathy (DCM) or other TTN-related disease. The clinical relevance of rare missense variants in this gene, which are identified on average once per individual sequenced in affected populations (Herman 2012), is not well understood. Yet, evidence suggests that the vast majority of such missense variants do not contribute to the clinical outcome of DCM (Begay 2015). Thus, the clinical significance of the p.Thr22131Ala variant cannot be determined with certainty. References: Begay RL et al. Role of Titin Missense Variants in Dilated Cardiomyopathy. J Am Heart Assoc. 2015 Nov 13;4(11). PMID: 26567375. Herman DS et al. Truncations of titin causing dilated cardiomyopathy. N Engl J Med. 2012 Feb 16;366(7):619-28. PMID: 22335739.

Revvity Omics, Revvity
Classification: Uncertain significance. Last evaluated: 2020-07-20. Review status: criteria provided, single submitter. Criteria: ACMG Guidelines, 2015. Collection method: clinical testing. Allele origin: germline.

Fulgent Genetics
Classification: Uncertain significance for Tibial muscular dystrophy; Myopathy, myofibrillar, 9, with early respiratory failure; Dilated cardiomyopathy 1G; Autosomal recessive limb-girdle muscular dystrophy type 2J; Early-onset myopathy with fatal cardiomyopathy; Hypertrophic cardiomyopathy 9. Last evaluated: 2018-10-31. Review status: criteria provided, single submitter. Criteria: ACMG Guidelines, 2015. Collection method: clinical testing. Allele origin: unknown.

Ambry Genetics
Classification: Likely benign for Cardiovascular phenotype. Last evaluated: 2018-09-21. Review status: criteria provided, single submitter. Criteria: Ambry Variant Classification Scheme 2023. Collection method: clinical testing. Allele origin: germline.

Laboratory for Molecular Medicine, Mass General Brigham Personalized Medicine
Classification: Uncertain significance. Last evaluated: 2015-01-14. Review status: criteria provided, single submitter. Criteria: LMM Criteria. Collection method: clinical testing. Allele origin: germline. Observed: 4 variant alleles.
Comment: Variant classified as Uncertain Significance - Favor Benign. The p.Thr19563Ala v ariant in TTN has been identified by our laboratory in 1 adult with DCM, 1 adole scent with DCM, and 1 adolescent with LVNC. This variant has also been identifie d in 0.1% (16/9802) of African chromosomes by the Exome Aggregation Consortium ( ExAC; dbSNP rs140842479). Threonine (Thr) at po sition 19563 is not conserved in mammals or evolutionary distant species and add itional computational prediction tools do not provide strong evidence for or aga inst an impact to the protein. In summary, while the clinical significance of th e p.Thr19563Ala variant is uncertain, its frequency suggests that it is more lik ely to be benign.

GeneDx
No classification provided. Last evaluated: 2014-07-08. Review status: no classification provided. Criteria: GeneDx Variant Classification (06012015). Collection method: clinical testing. Allele origin: germline. Affected: yes. Not counted in ClinVar's aggregate classification.
Comment: Missense variants in the TTN gene are considered 'unclassified' if they are not previously reported in the literature and do not have >1% frequency in the population to be considered a polymorphism. Research indicates that truncating mutations in the TTN gene are expected to account for approximately 25% of familial and 18% of sporadic idiopathic DCM; however, truncating variants in the TTN gene have been reported in approximately 3% of reported control alleles. There has been little investigation into non-truncating variants. (Herman D et al. Truncations of titin causing dilated cardiomyopathy. N Eng J Med 366:619-628, 2012) The variant is found in CARDIOMYOPATHY panel(s).

Literature cited by the submitters: PubMed 24503780 (cited by Women's Health and Genetics/Laboratory Corporation of America, LabCorp and Athena Diagnostics); PubMed 37725123 (cited by Women's Health and Genetics/Laboratory Corporation of America, LabCorp and Athena Diagnostics); PubMed 28771489 (cited by Athena Diagnostics).